The following is an entry in ClinVar:

ClinVar aggregate classification (germline): Uncertain significance. Review status: criteria provided, multiple submitters, no conflicts (2 of 4 stars). 2 submissions from 2 submitters: Uncertain significance (2). Last evaluated 2025-03-04.

Allele frequency attached by ClinVar (database versions not stated): TOPMed 0.00002; ExAC 0.00002; gnomAD 0.00003.
gnomAD v4.1: 34 of 1,613,652 alleles (0.0021%); highest among the groups gnomAD compares: Middle Eastern, 0.016%; no homozygotes.

Submissions (2):

Mayo Clinic Laboratories, Mayo Clinic
Classification: Uncertain significance. Last evaluated: 2025-03-04. Review status: criteria provided, single submitter. Criteria: ACMG Guidelines, 2015. Collection method: clinical testing. Allele origin: germline. Observed: 1 variant allele.
Comment: BP4_moderate

Labcorp Genetics (formerly Invitae), Labcorp
Classification: Uncertain significance. Last evaluated: 2023-01-11. Review status: criteria provided, single submitter. Criteria: Invitae Variant Classification Sherloc (09022015). Collection method: clinical testing. Allele origin: germline.
Comment: This variant has not been reported in the literature in individuals affected with TET2-related conditions. In summary, the available evidence is currently insufficient to determine the role of this variant in disease. Therefore, it has been classified as a Variant of Uncertain Significance. Algorithms developed to predict the effect of missense changes on protein structure and function (SIFT, PolyPhen-2, Align-GVGD) all suggest that this variant is likely to be tolerated. This variant is present in population databases (rs768670105, gnomAD 0.005%). This sequence change replaces alanine, which is neutral and non-polar, with threonine, which is neutral and polar, at codon 277 of the TET2 protein (p.Ala277Thr).

NM_001127208.3(TET2):c.829G>A (p.Ala277Thr)

Genes: TET2-AS1 (TET2 antisense RNA 1; minus strand), TET2 (tet methylcytosine dioxygenase 2; plus strand). Cytogenetic location: 4q24.
Variant type: single nucleotide variant.
Coding change: c.829G>A on transcript NM_001127208.3 (MANE Select); coding-DNA position 829, G replaced by A.
Protein change: p.Ala277Thr; replaces alanine 277 with threonine.
Molecular consequence: missense variant.
Genome position (GRCh38, 1-based): chr4:105,234,771, G>A. VCF-style: chr4-105234771-G-A. GRCh37 (hg19) VCF-style: chr4-106155928-G-A.
Other names: p.Ala277Thr; c.829G>A, p.Ala277Thr (NM_017628.4); short protein forms A277T.
Identifiers: ClinVar variation 3022595 (VCV003022595.2), dbSNP rs768670105, ClinGen allele CA3031573.